The following is an entry in ClinVar:

ClinVar aggregate classification (germline): Uncertain significance. Review status: criteria provided, multiple submitters, no conflicts (2 of 4 stars). 2 submissions from 2 submitters: Uncertain significance (2). Last evaluated 2025-12-03.

Conditions:
Aortic valve disease 2 (AOVD2). Identifiers: MedGen C3542024, MONDO:0013902, OMIM 614823.
Inborn genetic diseases. Identifiers: MedGen C0950123, MeSH D030342.

Allele frequency attached by ClinVar (database versions not stated): gnomAD exomes 0.00001.

Submissions (2):

Labcorp Genetics (formerly Invitae), Labcorp
Classification: Uncertain significance for Aortic valve disease 2. Last evaluated: 2025-12-03. Review status: criteria provided, single submitter. Criteria: Invitae Variant Classification Sherloc (09022015). Collection method: clinical testing. Allele origin: germline.
Comment: This sequence change replaces arginine, which is basic and polar, with tryptophan, which is neutral and slightly polar, at codon 157 of the SMAD6 protein (p.Arg157Trp). The frequency data for this variant in the population databases is considered unreliable, as metrics indicate poor data quality at this position in the gnomAD database. This variant has not been reported in the literature in individuals affected with SMAD6-related conditions. ClinVar contains an entry for this variant (Variation ID: 1406112). Invitae Evidence Modeling of protein sequence and biophysical properties (such as structural, functional, and spatial information, amino acid conservation, physicochemical variation, residue mobility, and thermodynamic stability) indicates that this missense variant is not expected to disrupt SMAD6 protein function with a negative predictive value of 80%. In summary, the available evidence is currently insufficient to determine the role of this variant in disease. Therefore, it has been classified as a Variant of Uncertain Significance.

Ambry Genetics
Classification: Uncertain significance for Inborn genetic diseases. Last evaluated: 2025-06-11. Review status: criteria provided, single submitter. Criteria: Ambry Variant Classification Scheme 2023. Collection method: clinical testing. Allele origin: germline.

NM_005585.5(SMAD6):c.469C>T (p.Arg157Trp)

Gene: SMAD6 (SMAD family member 6; plus strand). Cytogenetic location: 15q22.31.
Variant type: single nucleotide variant.
Coding change: c.469C>T on transcript NM_005585.5 (MANE Select); coding-DNA position 469, C replaced by T.
Protein change: p.Arg157Trp; replaces arginine 157 with tryptophan.
Molecular consequence: missense variant. On other transcripts: non-coding transcript variant (1).
Genome position (GRCh38, 1-based): chr15:66,703,727, C>T. VCF-style: chr15-66703727-C-T. GRCh37 (hg19) VCF-style: chr15-66996065-C-T.
Other names: c.469C>T (NM_005585.4); short protein forms R157W.
Identifiers: ClinVar variation 1406112 (VCV001406112.10), dbSNP rs1239750015, ClinGen allele CA392949613.